The following is an entry in ClinVar:

ClinVar aggregate classification (germline): Uncertain significance. Review status: criteria provided, multiple submitters, no conflicts (2 of 4 stars). 3 submissions from 3 submitters: Uncertain significance (3). Last evaluated 2025-10-22.

Conditions:
SKI-related disorder. Also called: SKI-related condition.
Familial thoracic aortic aneurysm and aortic dissection (TAAD). Also called: Thoracic aortic aneurysms and dissections. Identifiers: Orphanet 91387, MedGen C4707243, MONDO:0019625.
Shprintzen-Goldberg syndrome (SGS). Also called: SHPRINTZEN-GOLDBERG CRANIOSYNOSTOSIS SYNDROME; CRANIOSYNOSTOSIS WITH ARACHNODACTYLY AND ABDOMINAL HERNIAS; Marfanoid disorder with craniosynostosis type 1; Marfanoid craniosynostosis syndrome; Shprintzen-Goldberg marfanoid syndrome. Identifiers: Orphanet 2462, MedGen C1321551, MONDO:0008426, OMIM 182212.

Allele frequency attached by ClinVar (database versions not stated): ExAC 0.00002.
gnomAD v4.1: 9 of 1,598,990 alleles (0.00056%); highest among the groups gnomAD compares: South Asian, 0.0023%; no homozygotes.

Submissions (3):

PreventionGenetics, part of Exact Sciences
Classification: Uncertain significance for SKI-related condition. Last evaluated: 2025-10-22. Review status: criteria provided, single submitter. Criteria: ACMG Guidelines, 2015. Collection method: clinical testing. Allele origin: germline.
Comment: The SKI c.1861G>A variant is predicted to result in the amino acid substitution p.Ala621Thr. To our knowledge, this variant has not been reported in the literature. This variant is reported in 0.0036% of alleles in individuals of South Asian descent in gnomAD. At this time, the clinical significance of this variant is uncertain due to the absence of conclusive functional and genetic evidence.

Ambry Genetics
Classification: Uncertain significance for Familial thoracic aortic aneurysm and aortic dissection. Last evaluated: 2025-09-12. Review status: criteria provided, single submitter. Criteria: Ambry Variant Classification Scheme 2023. Collection method: clinical testing. Allele origin: germline.
Comment: The p.A621T variant (also known as c.1861G>A), located in coding exon 6 of the SKI gene, results from a G to A substitution at nucleotide position 1861. The alanine at codon 621 is replaced by threonine, an amino acid with similar properties. This amino acid position is well conserved in available vertebrate species. In addition, the in silico prediction for this alteration is inconclusive. Since supporting evidence is limited at this time, the clinical significance of this alteration remains unclear.

Labcorp Genetics (formerly Invitae), Labcorp
Classification: Uncertain significance for Shprintzen-Goldberg syndrome. Last evaluated: 2022-10-25. Review status: criteria provided, single submitter. Criteria: Invitae Variant Classification Sherloc (09022015). Collection method: clinical testing. Allele origin: germline.
Comment: This sequence change replaces alanine, which is neutral and non-polar, with threonine, which is neutral and polar, at codon 621 of the SKI protein (p.Ala621Thr). The frequency data for this variant in the population databases is considered unreliable, as metrics indicate poor data quality at this position in the gnomAD database. This variant has not been reported in the literature in individuals affected with SKI-related conditions. Advanced modeling of protein sequence and biophysical properties (such as structural, functional, and spatial information, amino acid conservation, physicochemical variation, residue mobility, and thermodynamic stability) performed at Invitae indicates that this missense variant is not expected to disrupt SKI protein function. In summary, the available evidence is currently insufficient to determine the role of this variant in disease. Therefore, it has been classified as a Variant of Uncertain Significance.

NM_003036.4(SKI):c.1861G>A (p.Ala621Thr)

Gene: SKI (SKI proto-oncogene; plus strand). Cytogenetic location: 1p36.32.
Variant type: single nucleotide variant.
Coding change: c.1861G>A on transcript NM_003036.4 (MANE Select); coding-DNA position 1861, G replaced by A.
Protein change: p.Ala621Thr; replaces alanine 621 with threonine.
Molecular consequence: missense variant.
Genome position (GRCh38, 1-based): chr1:2,306,113, G>A. VCF-style: chr1-2306113-G-A. GRCh37 (hg19) VCF-style: chr1-2237552-G-A.
Other names: short protein forms A621T.
Identifiers: ClinVar variation 1781515 (VCV001781515.10), dbSNP rs745318544, ClinGen allele CA536821.
Genomic context (GRCh38, chr1:2,306,113, plus strand): 5'-AAGCTGCGGGAGGCCACGGAGGCCAAGCGTAACCTGCGGAAGGAGATCGAGCGTCTCCGC[G>A]CCGAGAACGAGAAGAAGATGAAAGAGGCCAACGAGTCACGGCTGCGCCTGAAGCGGGAGC-3'
Protein context (NP_003027.1, residues 611-631): NLRKEIERLR[Ala621Thr]ENEKKMKEAN